The following is an entry in ClinVar:

ClinVar aggregate classification (germline): Conflicting classifications of pathogenicity. Review status: criteria provided, conflicting classifications (1 of 4 stars). 3 submissions from 3 submitters: Uncertain significance (2); Likely benign (1). Last evaluated 2026-01-31.

Conditions:
Inborn genetic diseases. Identifiers: MedGen C0950123, MeSH D030342.
LAMA2-related muscular dystrophy (LAMA2-RD). Also called: Laminin alpha 2-related dystrophy. Identifiers: MedGen C5679788, MONDO:0100228.

Allele frequency attached by ClinVar (database versions not stated): gnomAD 0.00002; TOPMed 0.00003; gnomAD exomes 0.00004 and 0.00007; ExAC 0.00006.
gnomAD v4.1: 65 of 1,614,016 alleles (0.004%); highest among the groups gnomAD compares: Non-Finnish European, 0.00034%; no homozygotes.

Submissions (3):

Labcorp Genetics (formerly Invitae), Labcorp
Classification: Likely benign for LAMA2-related muscular dystrophy. Last evaluated: 2026-01-31. Review status: criteria provided, single submitter. Criteria: Invitae Variant Classification Sherloc (09022015). Collection method: clinical testing. Allele origin: germline.

GeneDx
Classification: Uncertain significance. Last evaluated: 2025-04-07. Review status: criteria provided, single submitter. Criteria: GeneDx Variant Classification Process June 2021. Collection method: clinical testing. Allele origin: germline. Affected: yes.
Comment: In silico analysis supports that this missense variant has a deleterious effect on protein structure/function; Has not been previously published as pathogenic or benign to our knowledge

Ambry Genetics
Classification: Uncertain significance for Inborn genetic diseases. Last evaluated: 2022-09-05. Review status: criteria provided, single submitter. Criteria: Ambry Variant Classification Scheme 2023. Collection method: clinical testing. Allele origin: germline.

NM_000426.4(LAMA2):c.2039A>G (p.Asn680Ser)

Gene: LAMA2 (laminin subunit alpha 2; plus strand). Cytogenetic location: 6q22.33.
Variant type: single nucleotide variant.
Coding change: c.2039A>G on transcript NM_000426.4 (MANE Select); coding-DNA position 2039, A replaced by G.
Protein change: p.Asn680Ser; replaces asparagine 680 with serine.
Molecular consequence: missense variant.
Genome position (GRCh38, 1-based): chr6:129,252,238, A>G. VCF-style: chr6-129252238-A-G. GRCh37 (hg19) VCF-style: chr6-129573383-A-G.
Other names: c.2039A>G, p.Asn680Ser (NM_001079823.2); short protein forms N680S.
Identifiers: ClinVar variation 477448 (VCV000477448.11), dbSNP rs774139365, ClinGen allele CA3992804.
Genomic context (GRCh38, chr6:129,252,238, plus strand): 5'-TTACCATACATGGCACACATTTTCCAGTCCGTAGAAAGGAATTTATGACAGTGCTTGCGA[A>G]TTTGAAGAGAGTCCTCCTACAAATCACATACAGCTTTGGGATGGATGCCATCTTCAGGTA-3'
Protein context (NP_000417.3, residues 670-690): RRKEFMTVLA[Asn680Ser]LKRVLLQITY